The following is an entry in ClinVar:

NC_000021.8:g.(?_43800206)_(43805663_?)del

Gene: TMPRSS3 (transmembrane serine protease 3; minus strand). Cytogenetic location: 21q22.3.
Variant type: Deletion.
Identifiers: ClinVar variation 3248202 (VCV003248202.1).

ClinVar aggregate classification (germline): Pathogenic (1 of 4 stars; one submission).

Submission:

Labcorp Genetics (formerly Invitae), Labcorp
Classification: Pathogenic. Last evaluated: 2023-09-26. Review status: criteria provided, single submitter. Criteria: Invitae Variant Classification Sherloc (09022015). Collection method: clinical testing. Allele origin: unknown.
Comment: This variant is a gross deletion of the genomic region encompassing exon(s) 6-10 of the TMPRSS3 gene. This deletion is out-of-frame, and is expected to create a premature termination codon and result in an absent or disrupted protein product. Loss-of-function variants in TMPRSS3 are known to be pathogenic (PMID: 16021470, 26969326). A similar copy number variant has been observed in individual(s) with deafness (PMID: 26969326). For these reasons, this variant has been classified as Pathogenic.

Literature cited by the submitters: PubMed 16021470; PubMed 26969326.